The following is an entry in ClinVar:

ClinVar aggregate classification (germline): Benign/Likely benign. Review status: criteria provided, multiple submitters, no conflicts (2 of 4 stars). 4 submissions from 4 submitters: Benign (1); Likely benign (2). 1 of the submissions does not count toward it. Last evaluated 2026-07-14.

Conditions:
SMARCA4-related disorder. Also called: SMARCA4-related condition.
Hereditary cancer-predisposing syndrome. Also called: Hereditary Cancer Syndrome; Hereditary neoplastic syndrome; Neoplastic Syndromes, Hereditary; Tumor predisposition. Identifiers: Orphanet 140162, MedGen C0027672, MeSH D009386, MONDO:0015356.
Rhabdoid tumor predisposition syndrome 2 (RTPS2). Identifiers: Orphanet 231108, Orphanet 69077, MedGen C2750074, MONDO:0013224, OMIM 613325.

Allele frequency attached by ClinVar (database versions not stated): gnomAD 0.00003 and 0.00001; TOPMed 0.00001; gnomAD exomes 0.00002 and 0.00001; ExAC 0.00002.
gnomAD v4.1: 25 of 1,612,606 alleles (0.0016%); highest among the groups gnomAD compares: Middle Eastern, 0.017%; no homozygotes.

Submissions (4):

Myriad Genetics, Inc.
Classification: Benign for Rhabdoid tumor predisposition syndrome 2. Last evaluated: 2026-07-14. Review status: criteria provided, single submitter. Criteria: Myriad Autosomal Dominant, Autosomal Recessive and X-Linked Classification Criteria (2023). Collection method: clinical testing. Allele origin: unknown.
Comment: This variant is considered benign. This variant is a silent/synonymous amino acid change and it is not expected to impact splicing.

Labcorp Genetics (formerly Invitae), Labcorp
Classification: Likely benign for Rhabdoid tumor predisposition syndrome 2. Last evaluated: 2025-09-14. Review status: criteria provided, single submitter. Criteria: Invitae Variant Classification Sherloc (09022015). Collection method: clinical testing. Allele origin: germline.

Ambry Genetics
Classification: Likely benign for Hereditary cancer-predisposing syndrome. Last evaluated: 2016-06-27. Review status: criteria provided, single submitter. Criteria: Ambry Variant Classification Scheme 2023. Collection method: clinical testing. Allele origin: germline.

PreventionGenetics, part of Exact Sciences
Classification: Likely benign for SMARCA4-related condition. Last evaluated: 2024-07-18. Review status: no assertion criteria provided. Collection method: clinical testing. Allele origin: germline. Not counted in ClinVar's aggregate classification.
Comment: This variant is classified as likely benign based on ACMG/AMP sequence variant interpretation guidelines (Richards et al. 2015 PMID: 25741868, with internal and published modifications).

NM_003072.5(SMARCA4):c.3090C>T (p.Gly1030=)

Gene: SMARCA4 (SWI/SNF related BAF chromatin remodeling complex subunit ATPase 4; plus strand). Cytogenetic location: 19p13.2.
Variant type: single nucleotide variant.
Coding change: c.3090C>T on transcript NM_003072.5 (MANE Select); coding-DNA position 3090, C replaced by T.
Protein change: p.Gly1030=; no amino-acid change (glycine 1030 retained).
Molecular consequence: synonymous variant. On other transcripts: non-coding transcript variant (1).
Genome position (GRCh38, 1-based): chr19:11,025,430, C>T. VCF-style: chr19-11025430-C-T. GRCh37 (hg19) VCF-style: chr19-11136106-C-T.
Other names: c.3090C>T, p.Gly1030= (NM_001128844.3, NM_001128845.2, NM_001128846.2 and 5 more transcripts).
Identifiers: ClinVar variation 470337 (VCV000470337.18), dbSNP rs778603170, ClinGen allele CA9204320.
Genomic context (GRCh38, chr19:11,025,430, plus strand): 5'-CCCACCCCAGGAGGGCAAGACCCCATTTGGGTCCCTCTCATCTGCCTTCCAGGGCAAAGG[C>T]GGCACCAAGACCCTGATGAACACCATCATGCAGCTGCGGAAGATCTGCAACCACCCCTAC-3'
Protein context (NP_003063.2, residues 1020-1040): DGSEKDKKGK[Gly1030=]GTKTLMNTIM